The following is an entry in ClinVar:

NM_006922.4(SCN3A):c.1671+1G>A

Gene: SCN3A (sodium voltage-gated channel alpha subunit 3; minus strand). Cytogenetic location: 2q24.3.
Variant type: single nucleotide variant.
Coding change: c.1671+1G>A on transcript NM_006922.4 (MANE Select); the canonical splice donor site of the intron after coding-DNA position 1671, G replaced by A.
Molecular consequence: splice donor variant.
Genome position (GRCh38, 1-based): chr2:165,146,738, C>T on the plus strand (G>A on the coding strand, the complement: SCN3A is on the minus strand). VCF-style: chr2-165146738-C-T. GRCh37 (hg19) VCF-style: chr2-166003248-C-T.
Other names: c.1671+1G>A (NM_001081676.2, NM_001081677.2).
Identifiers: ClinVar variation 4686290 (VCV004686290.1).
Genomic context (GRCh38, chr2:165,146,738, plus strand): 5'-ACAAAAACTAAAAAGCAATAGCAATGACAAAGAAACCAGAGCACTTAGTAGAAAATCATA[C>T]CTGATGAGGGGAGCAGAATTTTTTGTCACTGGTCAGTCTGTTTCCATCCATGGAGAAAAG-3'

ClinVar aggregate classification (germline): Uncertain significance (1 of 4 stars; one submission).

Submission:

GeneDx
Classification: Uncertain significance. Last evaluated: 2025-07-14. Review status: criteria provided, single submitter. Criteria: GeneDx Variant Classification Process June 2021. Collection method: clinical testing. Allele origin: germline. Affected: yes.
Comment: Not observed at significant frequency in large population cohorts (gnomAD); Canonical splice site variant with an unclear effect on protein function; Has not been previously published as pathogenic or benign to our knowledge